The following is an entry in ClinVar:

ClinVar aggregate classification (germline): Pathogenic/Likely pathogenic. Review status: criteria provided, multiple submitters, no conflicts (2 of 4 stars). 4 submissions from 4 submitters: Pathogenic (1); Likely pathogenic (3). Last evaluated 2024-06-07.

Conditions:
PHYH-related disorder. Also called: PHYH-related condition.
Refsum disease, classic. Also called: PHYH-Related Refsum Disease; HEREDOPATHIA ATACTICA POLYNEURITIFORMIS; HMSN IV; PHYTANIC ACID OXIDASE DEFICIENCY. Identifiers: Orphanet 773, MedGen C5780941, MONDO:1060256, OMIM 266500. Disease mechanism: loss of function.

Allele frequency attached by ClinVar (database versions not stated): TOPMed 0.00001; gnomAD exomes below 0.00001.
gnomAD v4.1: 1 of 1,613,674 alleles (0.000062%); highest among the groups gnomAD compares: Admixed American, 0.0017%; no homozygotes.

Submissions (4):

Fulgent Genetics
Classification: Likely pathogenic for Refsum disease, classic. Last evaluated: 2024-06-07. Review status: criteria provided, single submitter. Criteria: ACMG Guidelines, 2015. Collection method: clinical testing. Allele origin: germline.

Blueprint Genetics
Classification: Likely pathogenic for PHYH-related disorders. Last evaluated: 2023-11-28. Review status: criteria provided, single submitter. Criteria: ACMG Guidelines, 2015. Collection method: clinical testing. Allele origin: germline. Affected: yes. Observed: 2 variant alleles.

Baylor Genetics
Classification: Likely pathogenic for Refsum disease, classic. Last evaluated: 2023-11-18. Review status: criteria provided, single submitter. Criteria: ACMG Guidelines, 2015. Collection method: clinical testing. Allele origin: unknown.

Labcorp Genetics (formerly Invitae), Labcorp
Classification: Pathogenic. Last evaluated: 2022-05-10. Review status: criteria provided, single submitter. Criteria: Invitae Variant Classification Sherloc (09022015). Collection method: clinical testing. Allele origin: germline.
Comment: For these reasons, this variant has been classified as Pathogenic. This variant has not been reported in the literature in individuals affected with PHYH-related conditions. This variant is not present in population databases (gnomAD no frequency). This sequence change creates a premature translational stop signal (p.Trp225*) in the PHYH gene. It is expected to result in an absent or disrupted protein product. Loss-of-function variants in PHYH are known to be pathogenic (PMID: 9326940, 14974078).

Literature cited by the submitters: PubMed 9326940 (cited by Labcorp Genetics (formerly Invitae), Labcorp); PubMed 14974078 (cited by Labcorp Genetics (formerly Invitae), Labcorp).

NM_006214.4(PHYH):c.675G>A (p.Trp225Ter)

Gene: PHYH (phytanoyl-CoA 2-hydroxylase; minus strand). Cytogenetic location: 10p13.
Variant type: single nucleotide variant.
Coding change: c.675G>A on transcript NM_006214.4 (MANE Select); coding-DNA position 675, G replaced by A.
Protein change: p.Trp225Ter; replaces tryptophan 225 with a stop codon.
Molecular consequence: nonsense. On other transcripts: intron variant (1).
Genome position (GRCh38, 1-based): chr10:13,288,363, C>T on the plus strand (G>A on the coding strand, the complement: PHYH is on the minus strand). VCF-style: chr10-13288363-C-T. GRCh37 (hg19) VCF-style: chr10-13330363-C-T.
Other names: c.375G>A, p.Trp125Ter (NM_001037537.2, NM_001323080.2); c.681G>A, p.Trp227Ter (NM_001323082.2); c.381G>A, p.Trp127Ter (NM_001323084.2); c.415-4524G>A (NM_001323083.2); short protein forms W127*, W225*, W125*, W227*.
Identifiers: ClinVar variation 1973968 (VCV001973968.8), dbSNP rs1835606884, ClinGen allele CA376035134.